The following is an entry in ClinVar:

NM_001083961.2(WDR62):c.1927G>A (p.Val643Met)

Gene: WDR62 (WD repeat domain 62; plus strand). Cytogenetic location: 19q13.12.
Variant type: single nucleotide variant.
Coding change: c.1927G>A on transcript NM_001083961.2 (MANE Select); coding-DNA position 1927, G replaced by A.
Protein change: p.Val643Met; replaces valine 643 with methionine.
Molecular consequence: missense variant.
Genome position (GRCh38, 1-based): chr19:36,089,275, G>A. VCF-style: chr19-36089275-G-A. GRCh37 (hg19) VCF-style: chr19-36580177-G-A.
Other names: c.1927G>A, p.Val643Met (NM_173636.5); short protein forms V643M.
Identifiers: ClinVar variation 501569 (VCV000501569.6), dbSNP rs759534168, ClinGen allele CA9395779.

ClinVar aggregate classification (germline): Uncertain significance. Review status: criteria provided, multiple submitters, no conflicts (2 of 4 stars). 2 submissions from 2 submitters: Uncertain significance (2). Last evaluated 2023-10-03.

Allele frequency attached by ClinVar (database versions not stated): ExAC 0.00002; gnomAD exomes 0.00002 and 0.00003; TOPMed 0.00003; gnomAD 0.00004 and 0.00005.
gnomAD v4.1: 31 of 1,614,072 alleles (0.0019%); highest among the groups gnomAD compares: Admixed American, 0.0083%; no homozygotes.

Submissions (2):

Labcorp Genetics (formerly Invitae), Labcorp
Classification: Uncertain significance. Last evaluated: 2023-10-03. Review status: criteria provided, single submitter. Criteria: Invitae Variant Classification Sherloc (09022015). Collection method: clinical testing. Allele origin: germline.
Comment: This sequence change replaces valine, which is neutral and non-polar, with methionine, which is neutral and non-polar, at codon 643 of the WDR62 protein (p.Val643Met). This variant is present in population databases (rs759534168, gnomAD 0.01%). This variant has not been reported in the literature in individuals affected with WDR62-related conditions. ClinVar contains an entry for this variant (Variation ID: 501569). Advanced modeling of protein sequence and biophysical properties (such as structural, functional, and spatial information, amino acid conservation, physicochemical variation, residue mobility, and thermodynamic stability) performed at Invitae indicates that this missense variant is expected to disrupt WDR62 protein function. In summary, the available evidence is currently insufficient to determine the role of this variant in disease. Therefore, it has been classified as a Variant of Uncertain Significance.

Eurofins Ntd Llc (ga)
Classification: Uncertain significance. Last evaluated: 2017-05-01. Review status: criteria provided, single submitter. Criteria: EGL Classification Definitions 2015. Collection method: clinical testing. Allele origin: germline. Observed: 1 variant allele, 1 heterozygote.